The following is an entry in ClinVar:

ClinVar aggregate classification (germline): Uncertain significance (1 of 4 stars; one submission).

Allele frequency attached by ClinVar (database versions not stated): TOPMed 0.00001; gnomAD 0.00002.
gnomAD v4.1: 2 of 1,165,469 alleles (0.00017%); highest among the groups gnomAD compares: Non-Finnish European, 0.00023%; no homozygotes.

Submission:

Labcorp Genetics (formerly Invitae), Labcorp
Classification: Uncertain significance. Last evaluated: 2025-03-04. Review status: criteria provided, single submitter. Criteria: Invitae Variant Classification Sherloc (09022015). Collection method: clinical testing. Allele origin: germline.
Comment: This sequence change replaces isoleucine, which is neutral and non-polar, with threonine, which is neutral and polar, at codon 728 of the POLA1 protein (p.Ile728Thr). This variant is present in population databases (no rsID available, gnomAD 0.009%), including at least one homozygous and/or hemizygous individual. This variant has not been reported in the literature in individuals affected with POLA1-related conditions. ClinVar contains an entry for this variant (Variation ID: 2985652). Invitae Evidence Modeling of protein sequence and biophysical properties (such as structural, functional, and spatial information, amino acid conservation, physicochemical variation, residue mobility, and thermodynamic stability) indicates that this missense variant is not expected to disrupt POLA1 protein function with a negative predictive value of 80%. In summary, the available evidence is currently insufficient to determine the role of this variant in disease. Therefore, it has been classified as a Variant of Uncertain Significance.

NM_001330360.2(POLA1):c.2201T>C (p.Ile734Thr)

Gene: POLA1 (DNA polymerase alpha 1, catalytic subunit; plus strand). Cytogenetic location: Xp22.11.
Variant type: single nucleotide variant.
Coding change: c.2201T>C on transcript NM_001330360.2 (MANE Select); coding-DNA position 2201, T replaced by C.
Protein change: p.Ile734Thr; replaces isoleucine 734 with threonine.
Molecular consequence: missense variant.
Genome position (GRCh38, 1-based): chrX:24,739,535, T>C. VCF-style: chrX-24739535-T-C. GRCh37 (hg19) VCF-style: chrX-24757652-T-C.
Other names: c.2126T>C, p.Ile709Thr (NM_001378303.1); c.2183T>C, p.Ile728Thr (NM_016937.4); short protein forms I709T, I728T, I734T.
Identifiers: ClinVar variation 2985652 (VCV002985652.3), dbSNP rs1424622621, ClinGen allele CA412535791.
Genomic context (GRCh38, chrX:24,739,535, plus strand): 5'-TGTCTGAACTTGTTCAGCAGATTCTAAAAACTGAAAGGGTTGTAATCCCAATGGAAAATA[T>C]ACAAAATATGTACAGGTATGATCCTAGATTCTTCAGAATTCATCTGTCTTGAAATTAACA-3'
Protein context (NP_001317289.1, residues 724-744): TERVVIPMEN[Ile734Thr]QNMYSESSQL